The following is an entry in ClinVar:

NM_006005.3(WFS1):c.1877C>A (p.Ser626Tyr)

Gene: WFS1 (wolframin ER transmembrane glycoprotein; plus strand). Cytogenetic location: 4p16.1.
Variant type: single nucleotide variant.
Coding change: c.1877C>A on transcript NM_006005.3 (MANE Select); coding-DNA position 1877, C replaced by A.
Protein change: p.Ser626Tyr; replaces serine 626 with tyrosine.
Molecular consequence: missense variant.
Genome position (GRCh38, 1-based): chr4:6,301,672, C>A. VCF-style: chr4-6301672-C-A. GRCh37 (hg19) VCF-style: chr4-6303399-C-A.
Other names: c.1877C>A, p.Ser626Tyr (NM_001145853.1); short protein forms S626Y.
Identifiers: ClinVar variation 4875310 (VCV004875310.2).
Genomic context (GRCh38, chr4:6,301,672, plus strand): 5'-TGCCCCTGCTGTTGCGCTGGTGGACCAAGGCCAGCTTCTCTGTGGTGGGGATGGTGAAGT[C>A]CCTGACGCGGAGCTCCATGGTCAAGCTCATCCTGGTGTGGCTCACGGCCATCGTGCTGTT-3'
Protein context (NP_005996.2, residues 616-636): ASFSVVGMVK[Ser626Tyr]LTRSSMVKLI

ClinVar aggregate classification (germline): Uncertain significance (1 of 4 stars; one submission).

Submission:

CeGaT Center for Human Genetics Tuebingen
Classification: Uncertain significance. Last evaluated: 2026-06-01. Review status: criteria provided, single submitter. Criteria: CeGaT Center For Human Genetics Tuebingen Variant Classification Criteria Version 2. Collection method: clinical testing. Allele origin: germline. Affected: yes. Observed: 1 variant allele.
Comment: WFS1: PM2